The following is an entry in ClinVar:

ClinVar aggregate classification (germline): Likely benign (1 of 4 stars; one submission).

Allele frequency attached by ClinVar (database versions not stated): ExAC 0.00001; gnomAD 0.00001; TOPMed 0.00002.
gnomAD v4.1: 50 of 1,610,746 alleles (0.0031%); highest among the groups gnomAD compares: Non-Finnish European, 0.0037%; no homozygotes.

Submission:

CeGaT Center for Human Genetics Tuebingen
Classification: Likely benign. Last evaluated: 2022-12-01. Review status: criteria provided, single submitter. Criteria: CeGaT Center For Human Genetics Tuebingen Variant Classification Criteria Version 2. Collection method: clinical testing. Allele origin: germline. Affected: yes. Observed: 1 variant allele.
Comment: MUC5B: BP4, BP7

NM_002458.3(MUC5B):c.1923C>G (p.Pro641=)

Gene: MUC5B (mucin 5B, oligomeric mucus/gel-forming; plus strand). Cytogenetic location: 11p15.5.
Variant type: single nucleotide variant.
Coding change: c.1923C>G on transcript NM_002458.3 (MANE Select); coding-DNA position 1923, C replaced by G.
Protein change: p.Pro641=; no amino-acid change (proline 641 retained).
Molecular consequence: synonymous variant.
Genome position (GRCh38, 1-based): chr11:1,232,529, C>G. VCF-style: chr11-1232529-C-G. GRCh37 (hg19) VCF-style: chr11-1253759-C-G.
Identifiers: ClinVar variation 2641185 (VCV002641185.24), dbSNP rs559579356, ClinGen allele CA5804447.
Genomic context (GRCh38, chr11:1,232,529, plus strand): 5'-GTGCTCGCGCCTGACCGATCCCAACAGTGCCTTCTCGCGCTGCCACTCCATCATCAACCC[C>G]AAGCCCTTCCACTCGGTGAGAGGCTGAGGCCAGACCCCCACGCCTGGGCAGGATGGGTGG-3'
Protein context (NP_002449.2, residues 631-651): AFSRCHSIIN[Pro641=]KPFHSNCMFD